The following is an entry in ClinVar:

NM_012414.4(RAB3GAP2):c.3945G>A (p.Ala1315=)

Gene: RAB3GAP2 (RAB3 GTPase activating non-catalytic protein subunit 2; minus strand). Cytogenetic location: 1q41.
Variant type: single nucleotide variant.
Coding change: c.3945G>A on transcript NM_012414.4 (MANE Select); coding-DNA position 3945, G replaced by A.
Protein change: p.Ala1315=; no amino-acid change (alanine 1315 retained).
Molecular consequence: synonymous variant.
Genome position (GRCh38, 1-based): chr1:220,151,687, C>T on the plus strand (G>A on the coding strand, the complement: RAB3GAP2 is on the minus strand). VCF-style: chr1-220151687-C-T. GRCh37 (hg19) VCF-style: chr1-220325029-C-T.
Other names: c.3945G>A (NM_012414.3).
Identifiers: ClinVar variation 2933804 (VCV002933804.5), dbSNP rs778048062, ClinGen allele CA1401998.
Genomic context (GRCh38, chr1:220,151,687, plus strand): 5'-CAGTGTGGGTGGAAGTCTGGCAAGCAGCTCCATTCCTTCTTTTGTCTGGGTGTGGAGAAG[C>T]GCATGAGCCAGCCTTTGCCCCGTGAGCACCAGCAGCTGAGAGGCAAGGACCTCTTTGTCA-3'
Protein context (NP_036546.2, residues 1305-1325): LVLTGQRLAH[Ala1315=]LLHTQTKEGM

ClinVar aggregate classification (germline): Likely benign. Review status: criteria provided, single submitter (1 of 4 stars). 2 submissions from 2 submitters: Likely benign (1). 1 of the submissions does not count toward it. Last evaluated 2025-09-04.

Conditions:
RAB3GAP2-related disorder. Also called: RAB3GAP2-related condition; RAB3GAP2-related disorders.
Martsolf syndrome (MARTS). Also called: Congenital cataract with intellectual disability and hypogonadotropic hypogonadism syndrome. Identifiers: Orphanet 1387, MedGen C0796037, MONDO:0023910.
Warburg micro syndrome 2 (WARBM2). Also called: MICRO SYNDROME 2. Identifiers: Orphanet 2510, MedGen C3280214, MONDO:0013641, OMIM 614225.

Allele frequency attached by ClinVar (database versions not stated): gnomAD 0.00001; TOPMed 0.00001; ExAC 0.00002.
gnomAD v4.1: 15 of 1,611,074 alleles (0.00093%); highest among the groups gnomAD compares: Admixed American, 0.017%; no homozygotes.

Submissions (2):

Labcorp Genetics (formerly Invitae), Labcorp
Classification: Likely benign for Martsolf syndrome; Warburg micro syndrome 2. Last evaluated: 2025-09-04. Review status: criteria provided, single submitter. Criteria: Invitae Variant Classification Sherloc (09022015). Collection method: clinical testing. Allele origin: germline.

PreventionGenetics, part of Exact Sciences
Classification: Likely benign for RAB3GAP2-related condition. Last evaluated: 2019-02-22. Review status: no assertion criteria provided. Collection method: clinical testing. Allele origin: germline. Not counted in ClinVar's aggregate classification.
Comment: This variant is classified as likely benign based on ACMG/AMP sequence variant interpretation guidelines (Richards et al. 2015 PMID: 25741868, with internal and published modifications).